The following is an entry in ClinVar:

NM_004304.5(ALK):c.3300C>T (p.Gly1100=)

Gene: ALK (ALK receptor tyrosine kinase; minus strand). Cytogenetic location: 2p23.2.
Variant type: single nucleotide variant.
Coding change: c.3300C>T on transcript NM_004304.5 (MANE Select); coding-DNA position 3300, C replaced by T.
Protein change: p.Gly1100=; no amino-acid change (glycine 1100 retained).
Molecular consequence: synonymous variant.
Genome position (GRCh38, 1-based): chr2:29,223,401, G>A on the plus strand (C>T on the coding strand, the complement: ALK is on the minus strand). VCF-style: chr2-29223401-G-A. GRCh37 (hg19) VCF-style: chr2-29446267-G-A.
Other names: c.96C>T, p.Gly32= (NM_001353765.2).
Identifiers: ClinVar variation 485076 (VCV000485076.16), dbSNP rs752819935, ClinGen allele CA1594011.

ClinVar aggregate classification (germline): Uncertain significance. Review status: criteria provided, multiple submitters, no conflicts (2 of 4 stars). 3 submissions from 3 submitters: Uncertain significance (3). Last evaluated 2025-11-18.

Conditions:
Hereditary cancer-predisposing syndrome. Also called: Hereditary neoplastic syndrome; Neoplastic Syndromes, Hereditary; Tumor predisposition; Hereditary Cancer Syndrome. Identifiers: Orphanet 140162, MedGen C0027672, MeSH D009386, MONDO:0015356.
Neuroblastoma, susceptibility to, 3. Also called: ALK-Related Neuroblastic Tumor Susceptibility. Identifiers: Orphanet 635, MedGen C2751681, MONDO:0013083, OMIM 613014.

Allele frequency attached by ClinVar (database versions not stated): gnomAD exomes 0.00002 and 0.00004; TOPMed 0.00002; gnomAD 0.00003; ExAC 0.00005.
gnomAD v4.1: 31 of 1,614,066 alleles (0.0019%); highest among the groups gnomAD compares: Non-Finnish European, 0.0025%; no homozygotes.

Submissions (3):

Labcorp Genetics (formerly Invitae), Labcorp
Classification: Uncertain significance for Neuroblastoma, susceptibility to, 3. Last evaluated: 2025-11-18. Review status: criteria provided, single submitter. Criteria: Invitae Variant Classification Sherloc (09022015). Collection method: clinical testing. Allele origin: germline.
Comment: This sequence change affects codon 1100 of the ALK mRNA. It is a 'silent' change, meaning that it does not change the encoded amino acid sequence of the ALK protein. This variant is present in population databases (rs752819935, gnomAD 0.009%). This variant has not been reported in the literature in individuals affected with ALK-related conditions. ClinVar contains an entry for this variant (Variation ID: 485076). Algorithms developed to predict the effect of sequence changes on RNA splicing suggest that this variant may create or strengthen a splice site. In summary, the available evidence is currently insufficient to determine the role of this variant in disease. Therefore, it has been classified as a Variant of Uncertain Significance.

GeneDx
Classification: Uncertain significance. Last evaluated: 2024-05-08. Review status: criteria provided, single submitter. Criteria: GeneDx Variant Classification Process June 2021. Collection method: clinical testing. Allele origin: germline. Affected: yes.
Comment: Has not been previously published as pathogenic or benign to our knowledge; In silico analysis supports a deleterious effect on splicing; This variant is associated with the following publications: (PMID: 29617658)

Ambry Genetics
Classification: Uncertain significance for Hereditary cancer-predisposing syndrome. Last evaluated: 2024-04-08. Review status: criteria provided, single submitter. Criteria: Ambry Variant Classification Scheme 2023. Collection method: clinical testing. Allele origin: germline.
Comment: The c.3300C>T variant (also known as p.G1100G), located in coding exon 20 of the ALK gene, results from a C to T substitution at nucleotide position 3300. This nucleotide substitution does not change the glycine at codon 1100. This nucleotide position is not well conserved in available vertebrate species. In silico splice site analysis predicts that this alteration will result in the creation or strengthening of a novel splice donor site. Since supporting evidence is limited at this time, the clinical significance of this alteration remains unclear.